The following is an entry in ClinVar:

ClinVar aggregate classification (germline): Uncertain significance (1 of 4 stars; one submission).

gnomAD v4.1: 1 of 1,613,798 alleles (0.000062%); highest among the groups gnomAD compares: Non-Finnish European, 0.000085%; no homozygotes.

Submission:

Ambry Genetics
Classification: Uncertain significance. Last evaluated: 2025-02-26. Review status: criteria provided, single submitter. Criteria: Ambry Variant Classification Scheme 2023. Collection method: clinical testing. Allele origin: germline.
Comment: The p.P561L variant (also known as c.1682C>T), located in coding exon 2 of the CDK12 gene, results from a C to T substitution at nucleotide position 1682. The proline at codon 561 is replaced by leucine, an amino acid with similar properties. This amino acid position is conserved. In addition, this alteration is predicted to be tolerated by in silico analysis. Based on the available evidence, the clinical significance of this variant remains unclear.

NM_016507.4(CDK12):c.1682C>T (p.Pro561Leu)

Gene: CDK12 (cyclin dependent kinase 12; plus strand). Cytogenetic location: 17q12.
Variant type: single nucleotide variant.
Coding change: c.1682C>T on transcript NM_016507.4 (MANE Select); coding-DNA position 1682, C replaced by T.
Protein change: p.Pro561Leu; replaces proline 561 with leucine.
Molecular consequence: missense variant.
Genome position (GRCh38, 1-based): chr17:39,471,514, C>T. VCF-style: chr17-39471514-C-T. GRCh37 (hg19) VCF-style: chr17-37627767-C-T.
Other names: c.1682C>T, p.Pro561Leu (NM_015083.4); short protein forms P561L.
Identifiers: ClinVar variation 3830713 (VCV003830713.1).